The following is an entry in ClinVar:

NM_001364905.1(LRBA):c.6230C>A (p.Ala2077Asp)

Gene: LRBA (LPS responsive beige-like anchor protein; minus strand). Cytogenetic location: 4q31.3.
Variant type: single nucleotide variant.
Coding change: c.6230C>A on transcript NM_001364905.1 (MANE Select); coding-DNA position 6230, C replaced by A.
Protein change: p.Ala2077Asp; replaces alanine 2077 with aspartic acid.
Molecular consequence: missense variant.
Genome position (GRCh38, 1-based): chr4:150,588,148, G>T on the plus strand (C>A on the coding strand, the complement: LRBA is on the minus strand). VCF-style: chr4-150588148-G-T. GRCh37 (hg19) VCF-style: chr4-151509300-G-T.
Other names: c.6230C>A, p.Ala2077Asp (NM_001199282.3, NM_001367550.1); c.6263C>A, p.Ala2088Asp (NM_006726.5); short protein forms A2077D, A2088D.
Identifiers: ClinVar variation 1480233 (VCV001480233.6), dbSNP rs748043780, ClinGen allele CA358605040.

ClinVar aggregate classification (germline): Uncertain significance (1 of 4 stars; one submission).

Conditions:
Combined immunodeficiency due to LRBA deficiency. Also called: Common variable immunodeficiency 8, with autoimmunity. Identifiers: Orphanet 445018, MedGen C3553512, MONDO:0013863, OMIM 614700.

gnomAD v4.1: 6 of 1,611,060 alleles (0.00037%); highest among the groups gnomAD compares: Non-Finnish European, 0.00051%; no homozygotes.

Submission:

Labcorp Genetics (formerly Invitae), Labcorp
Classification: Uncertain significance for Combined immunodeficiency due to LRBA deficiency. Last evaluated: 2023-09-25. Review status: criteria provided, single submitter. Criteria: Invitae Variant Classification Sherloc (09022015). Collection method: clinical testing. Allele origin: germline.
Comment: In summary, the available evidence is currently insufficient to determine the role of this variant in disease. Therefore, it has been classified as a Variant of Uncertain Significance. Advanced modeling of protein sequence and biophysical properties (such as structural, functional, and spatial information, amino acid conservation, physicochemical variation, residue mobility, and thermodynamic stability) performed at Invitae indicates that this missense variant is expected to disrupt LRBA protein function. ClinVar contains an entry for this variant (Variation ID: 1480233). This variant has not been reported in the literature in individuals affected with LRBA-related conditions. This variant is present in population databases (no rsID available, gnomAD 0.002%). This sequence change replaces alanine, which is neutral and non-polar, with aspartic acid, which is acidic and polar, at codon 2088 of the LRBA protein (p.Ala2088Asp).